The following is an entry in ClinVar:

NM_004304.5(ALK):c.2647T>C (p.Trp883Arg)

Gene: ALK (ALK receptor tyrosine kinase; minus strand). Cytogenetic location: 2p23.2.
Variant type: single nucleotide variant.
Coding change: c.2647T>C on transcript NM_004304.5 (MANE Select); coding-DNA position 2647, T replaced by C.
Protein change: p.Trp883Arg; replaces tryptophan 883 with arginine.
Molecular consequence: missense variant.
Genome position (GRCh38, 1-based): chr2:29,229,052, A>G on the plus strand (T>C on the coding strand, the complement: ALK is on the minus strand). VCF-style: chr2-29229052-A-G. GRCh37 (hg19) VCF-style: chr2-29451918-A-G.
Other names: short protein forms W883R.
Identifiers: ClinVar variation 2452090 (VCV002452090.2), dbSNP rs2465978427, ClinGen allele CA346470087.

ClinVar aggregate classification (germline): Uncertain significance (1 of 4 stars; one submission).

Conditions:
Hereditary cancer-predisposing syndrome. Also called: Neoplastic Syndromes, Hereditary; Tumor predisposition; Hereditary neoplastic syndrome; Hereditary Cancer Syndrome. Identifiers: Orphanet 140162, MedGen C0027672, MeSH D009386, MONDO:0015356.

Allele frequency attached by ClinVar (database versions not stated): gnomAD exomes below 0.00001.
gnomAD v4.1: 1 of 1,613,440 alleles (0.000062%); highest among the groups gnomAD compares: East Asian, 0.0022%; no homozygotes.

Submission:

Ambry Genetics
Classification: Uncertain significance for Hereditary cancer-predisposing syndrome. Last evaluated: 2022-11-04. Review status: criteria provided, single submitter. Criteria: Ambry Variant Classification Scheme 2023. Collection method: clinical testing. Allele origin: germline.
Comment: The p.W883R variant (also known as c.2647T>C), located in coding exon 16 of the ALK gene, results from a T to C substitution at nucleotide position 2647. The tryptophan at codon 883 is replaced by arginine, an amino acid with dissimilar properties. This amino acid position is conserved. In addition, this alteration is predicted to be deleterious by in silico analysis. Since supporting evidence is limited at this time, the clinical significance of this alteration remains unclear.